The following is an entry in ClinVar:

NM_004990.4(MARS1):c.971A>G (p.Glu324Gly)

Gene: MARS1 (methionyl-tRNA synthetase 1; plus strand). Cytogenetic location: 12q13.3.
Variant type: single nucleotide variant.
Coding change: c.971A>G on transcript NM_004990.4 (MANE Select); coding-DNA position 971, A replaced by G.
Protein change: p.Glu324Gly; replaces glutamic acid 324 with glycine.
Molecular consequence: missense variant.
Genome position (GRCh38, 1-based): chr12:57,498,503, A>G. VCF-style: chr12-57498503-A-G. GRCh37 (hg19) VCF-style: chr12-57892286-A-G.
Other names: short protein forms E324G.
Identifiers: ClinVar variation 2147337 (VCV002147337.4), dbSNP rs1366293111, ClinGen allele CA385455685.

ClinVar aggregate classification (germline): Uncertain significance (1 of 4 stars; one submission).

Conditions:
Severe early-onset pulmonary alveolar proteinosis due to MARS deficiency. Also called: PULMONARY ALVEOLAR PROTEINOSIS, REUNION ISLAND; Interstitial lung and liver disease. Identifiers: Orphanet 440427, MedGen C4225400, MONDO:0014206, OMIM 615486.
Charcot-Marie-Tooth disease axonal type 2U. Also called: CHARCOT-MARIE-TOOTH NEUROPATHY, TYPE 2U; CHARCOT-MARIE-TOOTH DISEASE, AXONAL, AUTOSOMAL DOMINANT, TYPE 2U. Identifiers: Orphanet 397735, MedGen C4084821, MONDO:0014566, OMIM 616280.

Allele frequency attached by ClinVar (database versions not stated): TOPMed 0.00002.

Submission:

Labcorp Genetics (formerly Invitae), Labcorp
Classification: Uncertain significance for Charcot-Marie-Tooth disease axonal type 2U; Severe early-onset pulmonary alveolar proteinosis due to MARS deficiency. Last evaluated: 2022-02-19. Review status: criteria provided, single submitter. Criteria: Invitae Variant Classification Sherloc (09022015). Collection method: clinical testing. Allele origin: germline.
Comment: In summary, the available evidence is currently insufficient to determine the role of this variant in disease. Therefore, it has been classified as a Variant of Uncertain Significance. Algorithms developed to predict the effect of missense changes on protein structure and function are either unavailable or do not agree on the potential impact of this missense change (SIFT: "Deleterious"; PolyPhen-2: "Probably Damaging"; Align-GVGD: "Class C0"). This variant has not been reported in the literature in individuals affected with MARS-related conditions. This variant is not present in population databases (gnomAD no frequency). This sequence change replaces glutamic acid, which is acidic and polar, with glycine, which is neutral and non-polar, at codon 324 of the MARS protein (p.Glu324Gly).